The following is an entry in ClinVar:

ClinVar aggregate classification (germline): Uncertain significance (1 of 4 stars; one submission).

Conditions:
Supravalvar aortic stenosis (SVAS). Also called: Supravalvar aortic stenosis, Eisenberg type. Identifiers: Orphanet 3193, MedGen C0003499, MONDO:0008504, OMIM 185500, HP:0004381.

Allele frequency attached by ClinVar (database versions not stated): gnomAD 0.00001; TOPMed 0.00002; ExAC 0.00005.
gnomAD v4.1: 20 of 1,591,684 alleles (0.0013%); highest among the groups gnomAD compares: South Asian, 0.0068%; no homozygotes.

Submission:

Labcorp Genetics (formerly Invitae), Labcorp
Classification: Uncertain significance for Supravalvar aortic stenosis. Last evaluated: 2025-10-19. Review status: criteria provided, single submitter. Criteria: Invitae Variant Classification Sherloc (09022015). Collection method: clinical testing. Allele origin: germline.
Comment: This sequence change affects codon 142 of the ELN mRNA. It is a 'silent' change, meaning that it does not change the encoded amino acid sequence of the ELN protein. It affects a nucleotide within the consensus splice site. This variant is present in population databases (rs782063305, gnomAD 0.007%). This variant has not been reported in the literature in individuals affected with ELN-related conditions. ClinVar contains an entry for this variant (Variation ID: 2153253). Algorithms developed to predict the effect of sequence changes on RNA splicing suggest that this variant is not likely to affect RNA splicing. In summary, the available evidence is currently insufficient to determine the role of this variant in disease. Therefore, it has been classified as a Variant of Uncertain Significance.

NM_000501.4(ELN):c.426G>A (p.Pro142=)

Gene: ELN (elastin; plus strand). Cytogenetic location: 7q11.23.
Variant type: single nucleotide variant.
Coding change: c.426G>A on transcript NM_000501.4 (MANE Select); coding-DNA position 426, G replaced by A.
Protein change: p.Pro142=; no amino-acid change (proline 142 retained).
Molecular consequence: synonymous variant.
Genome position (GRCh38, 1-based): chr7:74,043,167, G>A. VCF-style: chr7-74043167-G-A. GRCh37 (hg19) VCF-style: chr7-73457497-G-A.
Other names: c.396G>A, p.Pro132= (NM_001081752.3, NM_001278917.2, NM_001278918.2); c.441G>A, p.Pro147= (NM_001081753.3, NM_001081754.3); c.426G>A, p.Pro142= (NM_001081755.3, NM_001278912.2, NM_001278915.2 and 2 more transcripts); c.390G>A, p.Pro130= (NM_001278913.2); c.411G>A, p.Pro137= (NM_001278914.2).
Identifiers: ClinVar variation 2153253 (VCV002153253.4), dbSNP rs782063305, ClinGen allele CA4292476.